The following is an entry in ClinVar:

ClinVar aggregate classification (germline): Uncertain significance. Review status: criteria provided, multiple submitters, no conflicts (2 of 4 stars). 2 submissions from 2 submitters: Uncertain significance (2). Last evaluated 2021-12-02.

Conditions:
Brugada syndrome. Also called: Sudden unexpected nocturnal death syndrome; Sudden unexplained nocturnal death syndrome; Sudden Unexplained Death Syndrome; Sudden Unexplained Nocturnal Death Syndrome (SUNDS). Identifiers: Orphanet 130, MedGen C1142166, MONDO:0015263.

Allele frequency attached by ClinVar (database versions not stated): TOPMed below 0.00001; gnomAD 0.00001.
gnomAD v4.1: 1 of 1,614,096 alleles (0.000062%); highest among the groups gnomAD compares: Non-Finnish European, 0.000085%; no homozygotes.

Submissions (2):

Labcorp Genetics (formerly Invitae), Labcorp
Classification: Uncertain significance for Brugada syndrome. Last evaluated: 2021-12-02. Review status: criteria provided, single submitter. Criteria: Invitae Variant Classification Sherloc (09022015). Collection method: clinical testing. Allele origin: germline.
Comment: Algorithms developed to predict the effect of missense changes on protein structure and function output the following: SIFT: "Tolerated"; PolyPhen-2: "Benign"; Align-GVGD: "Class C0". The serine amino acid residue is found in multiple mammalian species, which suggests that this missense change does not adversely affect protein function. Algorithms developed to predict the effect of sequence changes on RNA splicing suggest that this variant may create or strengthen a splice site. In summary, the available evidence is currently insufficient to determine the role of this variant in disease. Therefore, it has been classified as a Variant of Uncertain Significance. ClinVar contains an entry for this variant (Variation ID: 546396). This variant has not been reported in the literature in individuals affected with SCN10A-related conditions. This variant is not present in population databases (gnomAD no frequency). This sequence change replaces cysteine, which is neutral and slightly polar, with serine, which is neutral and polar, at codon 648 of the SCN10A protein (p.Cys648Ser).

GeneDx
Classification: Uncertain significance. Last evaluated: 2018-05-24. Review status: criteria provided, single submitter. Criteria: GeneDx Variant Classification (06012015). Collection method: clinical testing. Allele origin: germline. Affected: yes.
Comment: A variant of uncertain significance has been identified in the SCN10A gene. The C648S variant has not been published as pathogenic or been reported as benign to our knowledge. This variant is also not observed in large population cohorts (Lek et al., 2016). The C648S variant is a non-conservative amino acid substitution, which is likely to impact secondary protein structure as these residues differ in polarity, charge, size and/or other properties. In-silico analyses, including protein predictors and evolutionary conservation, support a deleterious effect. Nevertheless, this variant has not been observed in a significant number of affected individuals, and it lacks both segregation and functional studies which would further clarify its pathogenicity.

NM_006514.4(SCN10A):c.1942T>A (p.Cys648Ser)

Gene: SCN10A (sodium voltage-gated channel alpha subunit 10; minus strand). Cytogenetic location: 3p22.2.
Variant type: single nucleotide variant.
Coding change: c.1942T>A on transcript NM_006514.4 (MANE Select); coding-DNA position 1942, T replaced by A.
Protein change: p.Cys648Ser; replaces cysteine 648 with serine.
Molecular consequence: missense variant.
Genome position (GRCh38, 1-based): chr3:38,742,455, A>T on the plus strand (T>A on the coding strand, the complement: SCN10A is on the minus strand). VCF-style: chr3-38742455-A-T. GRCh37 (hg19) VCF-style: chr3-38783946-A-T.
Other names: c.1942T>A, p.Cys648Ser (NM_001293306.2); c.1648T>A, p.Cys550Ser (NM_001293307.2); short protein forms C648S, C550S.
Identifiers: ClinVar variation 546396 (VCV000546396.6), dbSNP rs1553619038, ClinGen allele CA352165782.
Genomic context (GRCh38, chr3:38,742,455, plus strand): 5'-CTGCAAAGGGATCCGTCACAAGCCCAAAGAGAATTGTCTTGAGCTTCACCCACATGGGGC[A>T]GCAATCCCAGATCAGATACTTCTGAGACAAGCTGGTCAAGCAGGGTGGGCACTTCTGTTC-3'
Protein context (NP_006505.4, residues 638-658): LSQKYLIWDC[Cys648Ser]PMWVKLKTIL